The following is an entry in ClinVar:

NC_000019.9:g.1199801_1212900dup

Gene: STK11 (serine/threonine kinase 11; plus strand). Cytogenetic location: 19p13.3.
Variant type: Duplication.
Identifiers: ClinVar variation 1691527 (VCV001691527.4).

ClinVar aggregate classification (germline): Uncertain significance (1 of 4 stars; one submission).

Conditions:
Peutz-Jeghers syndrome (PJS). Also called: Peutz-Jeghers polyposis; Periorificial lentiginosis syndrome; POLYPOSIS, HAMARTOMATOUS INTESTINAL; POLYPS-AND-SPOTS SYNDROME. Identifiers: Orphanet 2869, MedGen C0031269, MeSH D010580, MONDO:0008280, OMIM 175200.

Submission:

St. Jude Molecular Pathology, St. Jude Children's Research Hospital
Classification: Uncertain significance for Peutz-Jeghers syndrome. Last evaluated: 2022-03-22. Review status: criteria provided, single submitter. Criteria: St. Jude Assertion Criteria 2020. Collection method: clinical testing. Allele origin: germline.
Comment: The STK11 c.-7112_291-5516dup change is a gross duplication of the genomic region encompassing exon 1 of the STK11 gene. The 5’ end of this event is located upstream of the STK11 gene and the 3’ end of this event is likely confined to intron 1 of the STK11 gene. To our knowledge, duplications encompassing exon 1 of STK11 have not been reported in individuals with Peutz-Jeghers syndrome. In summary, this variant meets criteria to be classified as of uncertain significance.